The following is an entry in ClinVar:

ClinVar aggregate classification (germline): Uncertain significance (1 of 4 stars; one submission).

Submission:

Labcorp Genetics (formerly Invitae), Labcorp
Classification: Uncertain significance. Last evaluated: 2023-12-26. Review status: criteria provided, single submitter. Criteria: Invitae Variant Classification Sherloc (09022015). Collection method: clinical testing. Allele origin: germline.
Comment: This sequence change creates a premature translational stop signal (p.Asn458Metfs*10) in the PDHX gene. While this is not anticipated to result in nonsense mediated decay, it is expected to disrupt the last 44 amino acid(s) of the PDHX protein. This variant is not present in population databases (gnomAD no frequency). This variant has not been reported in the literature in individuals affected with PDHX-related conditions. Experimental studies and prediction algorithms are not available or were not evaluated, and the functional significance of this variant is currently unknown. In summary, the available evidence is currently insufficient to determine the role of this variant in disease. Therefore, it has been classified as a Variant of Uncertain Significance.

NM_003477.3(PDHX):c.1373del (p.Asn458fs)

Gene: PDHX (pyruvate dehydrogenase complex component X; plus strand). Cytogenetic location: 11p13.
Variant type: Deletion.
Coding change: c.1373del on transcript NM_003477.3 (MANE Select); coding-DNA position 1373, one base deleted (A; older notation c.1373delA).
Protein change: p.Asn458fs; shifts the reading frame from asparagine 458.
Molecular consequence: frameshift variant.
Genome position (GRCh38, 1-based): chr11:34,995,039, A deleted; the last of 3 consecutive A bases (chr11:34,995,037-34,995,039); deleting any one gives the same sequence. VCF-style (leftmost placement, unchanged base first): chr11-34995036-GA-G. GRCh37 (hg19) VCF-style: chr11-35016583-GA-G.
Other names: c.1193del, p.Asn398fs (NM_001135024.2); c.692del, p.Asn231fs (NM_001166158.2); short protein forms N231fs, N398fs, N458fs.
Identifiers: ClinVar variation 2818521 (VCV002818521.3), dbSNP rs1246067167, ClinGen allele CA675864828.